The following is an entry in ClinVar:

ClinVar aggregate classification (germline): Uncertain significance (1 of 4 stars; one submission).

Conditions:
Glycogen storage disease IXa1. Also called: Glycogen storage disease 8; LIVER GLYCOGENOSIS, X-LINKED, TYPE I; GLYCOGEN STORAGE DISEASE VIII; GSD VIII. Identifiers: Orphanet 264580, MedGen C3694531, MONDO:0010598, OMIM 306000.

Submission:

Labcorp Genetics (formerly Invitae), Labcorp
Classification: Uncertain significance for Glycogen storage disease IXa1. Last evaluated: 2019-07-30. Review status: criteria provided, single submitter. Criteria: Invitae Variant Classification Sherloc (09022015). Collection method: clinical testing. Allele origin: germline.
Comment: In summary, the available evidence is currently insufficient to determine the role of this variant in disease. Therefore, it has been classified as a Variant of Uncertain Significance. Algorithms developed to predict the effect of missense changes on protein structure and function do not agree on the potential impact of this missense change (SIFT: "Deleterious"; PolyPhen-2: "Probably Damaging"; Align-GVGD: "Class C0"). This variant has not been reported in the literature in individuals with PHKA2-related disease. This variant is not present in population databases (ExAC no frequency). This sequence change replaces arginine with proline at codon 824 of the PHKA2 protein (p.Arg824Pro). The arginine residue is highly conserved and there is a moderate physicochemical difference between arginine and proline.

NM_000292.3(PHKA2):c.2471G>C (p.Arg824Pro)

Gene: PHKA2 (phosphorylase kinase regulatory subunit alpha 2; minus strand). Cytogenetic location: Xp22.13.
Variant type: single nucleotide variant.
Coding change: c.2471G>C on transcript NM_000292.3 (MANE Select); coding-DNA position 2471, G replaced by C.
Protein change: p.Arg824Pro; replaces arginine 824 with proline.
Molecular consequence: missense variant.
Genome position (GRCh38, 1-based): chrX:18,907,946, C>G on the plus strand (G>C on the coding strand, the complement: PHKA2 is on the minus strand). VCF-style: chrX-18907946-C-G. GRCh37 (hg19) VCF-style: chrX-18926064-C-G.
Other names: short protein forms R824P.
Identifiers: ClinVar variation 570424 (VCV000570424.10), dbSNP rs1569298640, ClinGen allele CA412383287.